The following is an entry in ClinVar:

NM_000187.4(HGD):c.455G>C (p.Gly152Ala)

Gene: HGD (homogentisate 1,2-dioxygenase; minus strand). Cytogenetic location: 3q13.33.
Variant type: single nucleotide variant.
Coding change: c.455G>C on transcript NM_000187.4 (MANE Select); coding-DNA position 455, G replaced by C.
Protein change: p.Gly152Ala; replaces glycine 152 with alanine.
Molecular consequence: missense variant.
Genome position (GRCh38, 1-based): chr3:120,647,891, C>G on the plus strand (G>C on the coding strand, the complement: HGD is on the minus strand). VCF-style: chr3-120647891-C-G. GRCh37 (hg19) VCF-style: chr3-120366738-C-G.
Other names: short protein forms G152A.
Identifiers: ClinVar variation 550079 (VCV000550079.3), dbSNP rs1553717936, ClinGen allele CA354077394.

ClinVar aggregate classification (germline): Conflicting classifications of pathogenicity. Review status: no assertion criteria provided (0 of 4 stars). 2 submissions from 2 submitters: Pathogenic (1); Uncertain significance (1). Last evaluated 2017-01-17.

Conditions:
Alkaptonuria (AKU). Also called: Alcaptonuria; Homogentisic acidura; HOMOGENTISIC ACID OXIDASE DEFICIENCY; Alkaptonuric ochronosis. Identifiers: Orphanet 56, MedGen C0002066, MONDO:0008753, OMIM 203500.

Submissions (2):

Counsyl
Classification: Uncertain significance for Alkaptonuria. Last evaluated: 2017-01-17. Review status: no assertion criteria provided. Collection method: clinical testing. Allele origin: unknown.

Department Of Human Genetics, Institute Of Clinical And Translational Research, Biomedical Research Center, Slovak Academy Of Sciences
Classification: Pathogenic for Alkaptonuria. Review status: no assertion criteria provided. Collection method: research. Allele origin: germline. Inheritance: Autosomal recessive inheritance. Affected: yes. Observed: 1 variant allele.
Comment: The variant was described in AKU patient in PMID:23430897. It has been submitted to the HGD gene mutation database (DB-ID: AKU_0041).

Literature cited by the submitters: PubMed 23430897 (cited by Counsyl and Department Of Human Genetics, Institute Of Clinical And Translational Research, Biomedical Research Center, Slovak Academy Of Sciences).